The following is an entry in ClinVar:

NM_000501.4(ELN):c.869del (p.Pro290fs)

Gene: ELN (elastin; plus strand). Cytogenetic location: 7q11.23.
Variant type: Deletion.
Coding change: c.869del on transcript NM_000501.4 (MANE Select); coding-DNA position 869, one base deleted (C; older notation c.869delC).
Protein change: p.Pro290fs; shifts the reading frame from proline 290.
Molecular consequence: frameshift variant.
Genome position (GRCh38, 1-based): chr7:74,051,819, C deleted; the last of 2 consecutive C bases (chr7:74,051,818-74,051,819); deleting either gives the same sequence. VCF-style (leftmost placement, unchanged base first): chr7-74051817-TC-T. GRCh37 (hg19) VCF-style: chr7-73466147-TC-T.
Other names: c.839del, p.Pro280fs (NM_001081752.3, NM_001278917.2); c.884del, p.Pro295fs (NM_001081753.3, NM_001081754.3); c.869del, p.Pro290fs (NM_001081755.3, NM_001278912.2, NM_001278915.2 and 1 more transcripts); c.761del, p.Pro254fs (NM_001278913.2); c.854del, p.Pro285fs (NM_001278914.2); c.827del, p.Pro276fs (NM_001278916.2); c.737del, p.Pro246fs (NM_001278918.2); short protein forms P254fs, P280fs, P276fs, P246fs, P285fs, P290fs, P295fs.
Identifiers: ClinVar variation 850874 (VCV000850874.7), dbSNP rs1794104889, ClinGen allele CA916082934.

ClinVar aggregate classification (germline): Pathogenic (1 of 4 stars; one submission).

Conditions:
Supravalvar aortic stenosis (SVAS). Also called: Supravalvar aortic stenosis, Eisenberg type. Identifiers: Orphanet 3193, MedGen C0003499, MONDO:0008504, OMIM 185500, HP:0004381.

Submission:

Labcorp Genetics (formerly Invitae), Labcorp
Classification: Pathogenic for Supravalvar aortic stenosis. Last evaluated: 2023-10-04. Review status: criteria provided, single submitter. Criteria: Invitae Variant Classification Sherloc (09022015). Collection method: clinical testing. Allele origin: germline.
Comment: This sequence change creates a premature translational stop signal (p.Pro290Leufs*33) in the ELN gene. It is expected to result in an absent or disrupted protein product. Loss-of-function variants in ELN are known to be pathogenic (PMID: 11175284). This variant is not present in population databases (gnomAD no frequency). This variant has not been reported in the literature in individuals affected with ELN-related conditions. ClinVar contains an entry for this variant (Variation ID: 850874). For these reasons, this variant has been classified as Pathogenic.

Literature cited by the submitters: PubMed 11175284.